The following is an entry in ClinVar:

ClinVar aggregate classification (germline): Uncertain significance (1 of 4 stars; one submission).

gnomAD v4.1: 3 of 1,611,212 alleles (0.00019%); highest among the groups gnomAD compares: Non-Finnish European, 0.00025%; no homozygotes.

Submission:

GeneDx
Classification: Uncertain significance. Last evaluated: 2025-01-12. Review status: criteria provided, single submitter. Criteria: GeneDx Variant Classification Process June 2021. Collection method: clinical testing. Allele origin: germline. Affected: yes.
Comment: Not observed at significant frequency in large population cohorts (gnomAD); In silico analysis indicates that this missense variant does not alter protein structure/function; Has not been previously published as pathogenic or benign to our knowledge

NM_015404.4(WHRN):c.200C>A (p.Ala67Glu)

Gene: WHRN (whirlin; minus strand). Cytogenetic location: 9q32.
Variant type: single nucleotide variant.
Coding change: c.200C>A on transcript NM_015404.4 (MANE Select); coding-DNA position 200, C replaced by A.
Protein change: p.Ala67Glu; replaces alanine 67 with glutamic acid.
Molecular consequence: missense variant.
Genome position (GRCh38, 1-based): chr9:114,504,602, G>T on the plus strand (C>A on the coding strand, the complement: WHRN is on the minus strand). VCF-style: chr9-114504602-G-T. GRCh37 (hg19) VCF-style: chr9-117266882-G-T.
Other names: c.200C>A, p.Ala67Glu (NM_001173425.2); short protein forms A67E.
Identifiers: ClinVar variation 4057077 (VCV004057077.1).
Genomic context (GRCh38, chr9:114,504,602, plus strand): 5'-TTGACCGGACTGTCCAGCAGCACGCGCAGGGTGCGCACCAGGTCGAAGACGTTGCGGCGC[G>T]CGTGGTAAGCGTTCAGGCAGTGGGTGAACTGCTCCCGCTCCGCCTCGCTCAGCAGCGCGG-3'
Protein context (NP_056219.3, residues 57-77): QFTHCLNAYH[Ala67Glu]RRNVFDLVRT